The following is an entry in ClinVar:

NM_000182.5(HADHA):c.181-216G>A

Gene: HADHA (hydroxyacyl-CoA dehydrogenase trifunctional multienzyme complex subunit alpha; minus strand). Cytogenetic location: 2p23.3.
Variant type: single nucleotide variant.
Coding change: c.181-216G>A on transcript NM_000182.5 (MANE Select); 216 bases into the intron before coding-DNA position 181, G replaced by A.
Molecular consequence: intron variant.
Genome position (GRCh38, 1-based): chr2:26,237,204, C>T on the plus strand (G>A on the coding strand, the complement: HADHA is on the minus strand). VCF-style: chr2-26237204-C-T. GRCh37 (hg19) VCF-style: chr2-26460072-C-T.
Identifiers: ClinVar variation 681680 (VCV000681680.1), dbSNP rs12998092, ClinGen allele CA15167440.

ClinVar aggregate classification (germline): Benign (1 of 4 stars; one submission).

Allele frequency attached by ClinVar (database versions not stated): 1000 Genomes Project 0.45727; 1000 Genomes Project 30x 0.46565; TOPMed 0.58381; gnomAD 0.60550.
gnomAD v4.1: 91,728 of 152,028 alleles (60%); highest among the groups gnomAD compares: Non-Finnish European, 72%; 29,342 homozygotes.

Submission:

GeneDx
Classification: Benign. Last evaluated: 2018-06-16. Review status: criteria provided, single submitter. Criteria: GeneDx Variant Classification (06012015). Collection method: clinical testing. Allele origin: germline. Affected: yes.
Comment: This variant is considered likely benign or benign based on one or more of the following criteria: it is a conservative change, it occurs at a poorly conserved position in the protein, it is predicted to be benign by multiple in silico algorithms, and/or has population frequency not consistent with disease.